The following is an entry in ClinVar:

ClinVar aggregate classification (germline): Benign/Likely benign. Review status: criteria provided, multiple submitters, no conflicts (2 of 4 stars). 11 submissions from 11 submitters: Benign (10); Likely benign (1). Last evaluated 2026-02-04.

Conditions:
Fibrous dysplasia of jaw (CRBM). Also called: Cherubism. Identifiers: Orphanet 184, MedGen C0008029, MONDO:0007315, OMIM 118400.

Allele frequency attached by ClinVar (database versions not stated): ESP Exome Variant Server 0.34974; gnomAD 0.36399 and 0.37216; 1000 Genomes Project 30x 0.36680; TOPMed 0.37159; 1000 Genomes Project 0.37200; gnomAD exomes 0.44778 and 0.45288; ExAC 0.45138.
gnomAD v4.1: 710,223 of 1,612,980 alleles (44%); highest among the groups gnomAD compares: Admixed American, 58%; 161,294 homozygotes.

Submissions (11):

Labcorp Genetics (formerly Invitae), Labcorp
Classification: Benign for Fibrous dysplasia of jaw. Last evaluated: 2026-02-04. Review status: criteria provided, single submitter. Criteria: Invitae Variant Classification Sherloc (09022015). Collection method: clinical testing. Allele origin: germline.

Women's Health and Genetics/Laboratory Corporation of America, LabCorp
Classification: Benign. Last evaluated: 2026-01-21. Review status: criteria provided, single submitter. Criteria: LabCorp Variant Classification Summary - May 2015. Collection method: clinical testing. Allele origin: germline.

Blueprint Genetics
Classification: Likely benign. Last evaluated: 2024-11-26. Review status: criteria provided, single submitter. Criteria: ACMG Guidelines, 2015. Collection method: clinical testing. Allele origin: germline.

Unidad de Genómica Garrahan, Hospital de Pediatría Garrahan
Classification: Benign. Last evaluated: 2023-11-12. Review status: criteria provided, single submitter. Criteria: ACMG Guidelines, 2015. Collection method: clinical testing. Allele origin: germline. Affected: no. Observed: 81 variant alleles.
Comment: This variant is classified as Benign based on local population frequency. This variant was detected in 84% of patients studied by a panel of primary immunodeficiencies. Number of patients: 81. Only high quality variants are reported.

Genome-Nilou Lab
Classification: Benign for Fibrous dysplasia of jaw. Last evaluated: 2021-07-15. Review status: criteria provided, single submitter. Criteria: ACMG Guidelines, 2015. Collection method: clinical testing. Allele origin: germline. Affected: no.

GeneDx
Classification: Benign. Last evaluated: 2021-05-04. Review status: criteria provided, single submitter. Criteria: GeneDx Variant Classification Process June 2021. Collection method: clinical testing. Allele origin: germline. Affected: yes.

Mayo Clinic Laboratories, Mayo Clinic
Classification: Benign. Last evaluated: 2018-03-22. Review status: criteria provided, single submitter. Criteria: ACMG Guidelines, 2015. Collection method: clinical testing. Allele origin: germline. Observed: 661 variant alleles.

Illumina Laboratory Services, Illumina
Classification: Benign for Fibrous dysplasia of jaw. Last evaluated: 2018-01-12. Review status: criteria provided, single submitter. Criteria: ICSL Variant Classification Criteria 13 December 2019. Collection method: clinical testing. Allele origin: germline.
Comment: This variant was observed in the ICSL laboratory as part of a predisposition screen in an ostensibly healthy population. It had not been previously curated by ICSL or reported in the Human Gene Mutation Database (HGMD: prior to June 1st, 2018), and was therefore a candidate for classification through an automated scoring system. Utilizing variant allele frequency, disease prevalence and penetrance estimates, and inheritance mode, an automated score was calculated to assess if this variant is too frequent to cause the disease. Based on the score and internal cut-off values, a variant classified as benign is not then subjected to further curation. The score for this variant resulted in a classification of benign for this disease.

Laboratory for Molecular Medicine, Mass General Brigham Personalized Medicine
Classification: Benign. Last evaluated: 2016-03-28. Review status: criteria provided, single submitter. Criteria: LMM Criteria. Collection method: clinical testing. Allele origin: germline.
Comment: Variant identified in a genome or exome case(s) and assessed due to predicted null impact of the variant or pathogenic assertions in the literature or databases. Disclaimer: This variant has not undergone full assessment. The following are preliminary notes: Frequency

Breakthrough Genomics
Classification: Benign. Review status: criteria provided, single submitter. Criteria: ACMG Guidelines, 2015. Collection method: not provided. Allele origin: germline. Inheritance: Autosomal dominant inheritance. Affected: yes.

PreventionGenetics, part of Exact Sciences
Classification: Benign. Review status: criteria provided, single submitter. Criteria: ACMG Guidelines, 2015. Collection method: clinical testing. Allele origin: germline.

NM_001122681.2(SH3BP2):c.123G>T (p.Leu41=)

Gene: SH3BP2 (SH3 domain binding protein 2; plus strand). Cytogenetic location: 4p16.3.
Variant type: single nucleotide variant.
Coding change: c.123G>T on transcript NM_001122681.2 (MANE Select); coding-DNA position 123, G replaced by T.
Protein change: p.Leu41=; no amino-acid change (leucine 41 retained).
Molecular consequence: synonymous variant.
Genome position (GRCh38, 1-based): chr4:2,820,740, G>T. VCF-style: chr4-2820740-G-T. GRCh37 (hg19) VCF-style: chr4-2822467-G-T.
Other names: p.Leu41=; c.123G>T, p.Leu41= (NM_003023.4); c.207G>T, p.Leu69= (NM_001145855.2); c.294G>T, p.Leu98= (NM_001145856.2).
Identifiers: ClinVar variation 258893 (VCV000258893.28), dbSNP rs231402, ClinGen allele CA2818903.